The following is an entry in ClinVar:

ClinVar aggregate classification (germline): Pathogenic/Likely pathogenic. Review status: criteria provided, multiple submitters, no conflicts (2 of 4 stars). 15 submissions from 15 submitters: Pathogenic (9); Likely pathogenic (1). 5 of the submissions do not count toward it. Last evaluated 2025-12-23.

Conditions:
PANK2-related disorder. Also called: PANK2-related condition.
Inborn genetic diseases. Identifiers: MedGen C0950123, MeSH D030342.
Pigmentary pallidal degeneration (NBIA1). Also called: Neurodegeneration with brain iron accumulation 1; PKAN NEUROAXONAL DYSTROPHY, JUVENILE-ONSET; HARP SYNDROME; Pantothenate Kinase-Associated Neurodegeneration; Neuroaxonal dystrophy, late infantile; Hallervorden-Spatz disease. Identifiers: Orphanet 157850, MedGen C0018523, MONDO:0009319, OMIM 234200.
Hypoprebetalipoproteinemia, acanthocytosis, retinitis pigmentosa, and pallidal degeneration. Identifiers: MedGen C1846582, MONDO:0011798.

Allele frequency attached by ClinVar (database versions not stated): gnomAD exomes 0.00001; ExAC 0.00002; gnomAD 0.00002; TOPMed 0.00003.

Submissions (15):

Labcorp Genetics (formerly Invitae), Labcorp
Classification: Pathogenic for Pigmentary pallidal degeneration. Last evaluated: 2025-12-23. Review status: criteria provided, single submitter. Criteria: Invitae Variant Classification Sherloc (09022015). Collection method: clinical testing. Allele origin: germline.
Comment: This sequence change replaces threonine, which is neutral and polar, with methionine, which is neutral and non-polar, at codon 528 of the PANK2 protein (p.Thr528Met). This variant is present in population databases (rs137852967, gnomAD 0.004%). This missense change has been observed in individual(s) with clinical features of Hallervorden-Spatz syndrome (HSS) and is associated with both classical and atypical HSS (PMID: 11479594, 15565311, 16437574, 23968566, 25802776, 26087139, 27185474, 28781879). In at least one individual the data is consistent with being in trans (on the opposite chromosome) from a pathogenic variant. This variant is also known as c.1283C>T, T418M. ClinVar contains an entry for this variant (Variation ID: 4556). Invitae Evidence Modeling of protein sequence and biophysical properties (such as structural, functional, and spatial information, amino acid conservation, physicochemical variation, residue mobility, and thermodynamic stability) indicates that this missense variant is expected to disrupt PANK2 protein function with a positive predictive value of 95%. Experimental studies are conflicting or provide insufficient evidence to determine the effect of this variant on PANK2 function (PMID: 15659606, 16272150, 16437574). For these reasons, this variant has been classified as Pathogenic.

Blueprint Genetics
Classification: Pathogenic for PANK2-related disorders. Last evaluated: 2024-11-18. Review status: criteria provided, single submitter. Criteria: ACMG Guidelines, 2015. Collection method: clinical testing. Allele origin: germline. Affected: yes. Observed: 5 variant alleles.

Revvity Omics, Revvity
Classification: Likely pathogenic. Last evaluated: 2024-09-12. Review status: criteria provided, single submitter. Criteria: ACMG Guidelines, 2015. Collection method: clinical testing. Allele origin: germline.

GeneDx
Classification: Pathogenic. Last evaluated: 2023-12-12. Review status: criteria provided, single submitter. Criteria: GeneDx Variant Classification Process June 2021. Collection method: clinical testing. Allele origin: germline. Affected: yes.
Comment: Not observed at significant frequency in large population cohorts (gnomAD); This variant is associated with the following publications: (PMID: 31589614, 28113101, 32705819, 30363918, 23968566, 27185474, 33098801, 34272103, 30838286, 12510040, 16437574, 32043823, 28781879, 25724846, 11479594, 35872528)

Institute of Medical Genetics and Applied Genomics, University Hospital Tübingen
Classification: Pathogenic for Pigmentary pallidal degeneration. Last evaluated: 2023-11-14. Review status: criteria provided, single submitter. Criteria: ACMG Guidelines, 2015. Collection method: clinical testing. Allele origin: germline. Inheritance: Autosomal recessive inheritance. Affected: yes.

Ambry Genetics
Classification: Pathogenic for Inborn genetic diseases. Last evaluated: 2022-07-06. Review status: criteria provided, single submitter. Criteria: Ambry Variant Classification Scheme 2023. Collection method: clinical testing. Allele origin: germline.
Comment: The c.1583C>T (p.T528M) alteration is located in exon 6 (coding exon 6) of the PANK2 gene. This alteration results from a C to T substitution at nucleotide position 1583, causing the threonine (T) at amino acid position 528 to be replaced by a methionine (M). Based on data from gnomAD, the T allele has an overall frequency of <0.01% (4/282880) total alleles studied. The highest observed frequency was <0.01% (1/25122) of European (Finnish) alleles. This alteration has been detected in the homozygous state and as compound heterozygous in trans with other pathogenic PANK2 alterations in numerous unrelated individuals with pantothenate kinase-associated neurodegeneration (Golanska, 2015; Wu, 2013; Hartig, 2006; Hayflick, 2003; Zhou, 2001). This amino acid position is highly conserved in available vertebrate species. The in silico prediction for this alteration is inconclusive. Based on the available evidence, this alteration is classified as pathogenic.

CeGaT Center for Human Genetics Tuebingen
Classification: Pathogenic. Last evaluated: 2020-07-01. Review status: criteria provided, single submitter. Criteria: CeGaT Center For Human Genetics Tuebingen Variant Classification Criteria Version 2. Collection method: clinical testing. Allele origin: germline. Affected: yes. Observed: 1 variant allele.

Laboratory for Molecular Genetic Diagnostic of Neurological Diseases, University of Belgrade, School of Medicine
Classification: Pathogenic for Pigmentary pallidal degeneration. Last evaluated: 2020-07-01. Review status: criteria provided, single submitter. Criteria: ACMG Guidelines, 2015. Collection method: clinical testing. Allele origin: germline. Inheritance: Autosomal recessive inheritance. Affected: yes. Observed: 8 variant alleles, 3 compound heterozygotes, 5 homozygotes.

Institute of Human Genetics Munich, TUM University Hospital
Classification: Pathogenic for Pigmentary pallidal degeneration. Last evaluated: 2019-06-07. Review status: criteria provided, single submitter. Criteria: Classification criteria August 2017. Collection method: clinical testing. Allele origin: germline. Inheritance: Autosomal recessive inheritance. Affected: yes. Observed: 1 homozygote.

Centre for Mendelian Genomics, University Medical Centre Ljubljana
Classification: Pathogenic for Pigmentary pallidal degeneration. Last evaluated: 2019-02-11. Review status: criteria provided, single submitter. Criteria: ACMG Guidelines, 2015. Collection method: clinical testing. Allele origin: unknown. Affected: yes.
Comment: This variant was classified as: Pathogenic. The following ACMG criteria were applied in classifying this variant: PS1,PM2,PP4,PP3,PP2,PP1. This variant was detected in homozygous state.

PreventionGenetics, part of Exact Sciences
Classification: Likely pathogenic for PANK2-related condition. Last evaluated: 2024-04-29. Review status: no assertion criteria provided. Collection method: clinical testing. Allele origin: germline. Not counted in ClinVar's aggregate classification.
Comment: The PANK2 c.1583C>T variant is predicted to result in the amino acid substitution p.Thr528Met. This variant was reported in individuals with Pantothenate kinase-associated neurodegeneration (Zhou et al. 2001. PubMed ID: 11479594; Wu et al. 2013. PubMed ID: 23968566; Yapici et al. 2016. PubMed ID: 27185474; Akcakaya et al. 2017. PubMed ID: 28113101). This variant is reported in 0.0040% of alleles in individuals of European (Finnish) descent in gnomAD. This variant is interpreted as likely pathogenic.

Human Genetics Research Lab, Central University of Jammu
Classification: Pathogenic for Pigmentary pallidal degeneration. Last evaluated: 2021-07-29. Review status: no assertion criteria provided. Collection method: research. Allele origin: germline. Inheritance: Autosomal recessive inheritance. Affected: yes. Observed: 2 variant alleles, 2 homozygotes. Not counted in ClinVar's aggregate classification.
Comment: The variant NM_153638.3(PANK2):c.1583C>T (p.Thr528Met) was found to be segregating with the disease in the family in autosomal recessive mode of inheritance. Two of the affected sibs were found homozygous for the variant whereas both healthy parents were found to be heterozygous for the variant. Source: OMIM 234200 Neurodegeneration with brain iron accumulation-1 (NBIA1), also known as Hallervorden-Spatz disease, is caused by homozygous or compound heterozygosity mutation in the pantothenate kinase-2 gene (PANK2; 606157)

OMIM
Classification: Pathogenic for NEURODEGENERATION WITH BRAIN IRON ACCUMULATION 1. Last evaluated: 2003-01-02. Review status: no assertion criteria provided. Collection method: literature only. Allele origin: germline. Not counted in ClinVar's aggregate classification.

GeneReviews
No classification provided. Condition: Pigmentary pallidal degeneration. Review status: no classification provided. Collection method: literature only. Allele origin: germline. Not counted in ClinVar's aggregate classification.

Undiagnosed Diseases Program Translational Research Laboratory, National Institutes of Health
Classification: Pathogenic for Hypoprebetalipoproteinemia, acanthocytosis, retinitis pigmentosa, and pallidal degeneration. Review status: no assertion criteria provided. Collection method: not provided. Allele origin: inherited. Not counted in ClinVar's aggregate classification.
ClinVar note: Converted during submission from pathogenic to Pathogenic.

Literature cited by the submitters: PubMed 11479594 (cited by 3 submitters); PubMed 15565311 (cited by Labcorp Genetics (formerly Invitae), Labcorp); PubMed 16437574 (cited by 3 submitters); PubMed 23968566 (cited by Labcorp Genetics (formerly Invitae), Labcorp and Ambry Genetics); PubMed 25802776 (cited by Labcorp Genetics (formerly Invitae), Labcorp); PubMed 26087139 (cited by Labcorp Genetics (formerly Invitae), Labcorp and Ambry Genetics); PubMed 27185474 (cited by Labcorp Genetics (formerly Invitae), Labcorp); PubMed 28781879 (cited by Labcorp Genetics (formerly Invitae), Labcorp and Laboratory for Molecular Genetic Diagnostic of Neurological Diseases, University of Belgrade, School of Medicine); PubMed 15659606 (cited by Labcorp Genetics (formerly Invitae), Labcorp); PubMed 16272150 (cited by Labcorp Genetics (formerly Invitae), Labcorp); PubMed 12510040 (cited by Ambry Genetics and OMIM); NCBI Bookshelf NBK1490 (cited by GeneReviews).

NM_001386393.1(PANK2):c.1253C>T (p.Thr418Met)

Genes: MIR103A2 (microRNA 103a-2; plus strand), MIR103B2 (microRNA 103b-2; minus strand), PANK2 (pantothenate kinase 2; plus strand). Cytogenetic location: 20p13.
Variant type: single nucleotide variant.
Coding change: c.1253C>T on transcript NM_001386393.1 (MANE Select); coding-DNA position 1253, C replaced by T.
Protein change: p.Thr418Met; replaces threonine 418 with methionine.
Molecular consequence: missense variant. On other transcripts: non-coding transcript variant (1).
Genome position (GRCh38, 1-based): chr20:3,918,717, C>T. VCF-style: chr20-3918717-C-T. GRCh37 (hg19) VCF-style: chr20-3899364-C-T.
Other names: T418M; 1253C>T; Thr418Met; c.710C>T, p.Thr237Met (NM_001324191.2, NM_024960.6, NM_153640.4); c.275C>T, p.Thr92Met (NM_001324193.2); c.1583C>T, p.Thr528Met (NM_153638.4); short protein forms T237M, T528M, T92M.
Identifiers: ClinVar variation 4556 (VCV000004556.65), dbSNP rs137852967, ClinGen allele CA116923.
Genomic context (GRCh38, chr20:3,918,717, plus strand): 5'-TTTGGTGTGCTCAGAACATTAACCAGGTGGTATTTGTTGGAAATTTCTTGAGAATTAATA[C>T]GATCGCCATGCGGCTTTTGGCATATGCTTTGGATTATTGGTCCAAGGGGCAGTTGAAAGC-3'
Protein context (NP_001373322.1, residues 408-428): VFVGNFLRIN[Thr418Met]IAMRLLAYAL